The following is an entry in ClinVar:

ClinVar aggregate classification (germline): Uncertain significance (1 of 4 stars; one submission).

gnomAD v4.1: 3 of 1,604,090 alleles (0.00019%); highest among the groups gnomAD compares: Non-Finnish European, 0.00017%; no homozygotes.

Submission:

Labcorp Genetics (formerly Invitae), Labcorp
Classification: Uncertain significance. Last evaluated: 2024-03-04. Review status: criteria provided, single submitter. Criteria: Invitae Variant Classification Sherloc (09022015). Collection method: clinical testing. Allele origin: germline.
Comment: This sequence change replaces proline, which is neutral and non-polar, with leucine, which is neutral and non-polar, at codon 7 of the DGKE protein (p.Pro7Leu). This variant is not present in population databases (gnomAD no frequency). This variant has not been reported in the literature in individuals affected with DGKE-related conditions. ClinVar contains an entry for this variant (Variation ID: 2088496). Algorithms developed to predict the effect of missense changes on protein structure and function output the following: SIFT: "Not Available"; PolyPhen-2: "Benign"; Align-GVGD: "Not Available". The leucine amino acid residue is found in multiple mammalian species, which suggests that this missense change does not adversely affect protein function. In summary, the available evidence is currently insufficient to determine the role of this variant in disease. Therefore, it has been classified as a Variant of Uncertain Significance.

NM_003647.3(DGKE):c.20C>T (p.Pro7Leu)

Gene: DGKE (diacylglycerol kinase epsilon; plus strand). Cytogenetic location: 17q22.
Variant type: single nucleotide variant.
Coding change: c.20C>T on transcript NM_003647.3 (MANE Select); coding-DNA position 20, C replaced by T.
Protein change: p.Pro7Leu; replaces proline 7 with leucine.
Molecular consequence: missense variant.
Genome position (GRCh38, 1-based): chr17:56,834,815, C>T. VCF-style: chr17-56834815-C-T. GRCh37 (hg19) VCF-style: chr17-54912176-C-T.
Other names: short protein forms P7L.
Identifiers: ClinVar variation 2088496 (VCV002088496.4), dbSNP rs1486518180, ClinGen allele CA399920280.
Genomic context (GRCh38, chr17:56,834,815, plus strand): 5'-CCGCCTGTTTCTTTTCTGGTTAGGTATCGTCCTTGGAGAAGATGGAAGCGGAGAGGCGGC[C>T]GGCGCCGGGCTCGCCCTCCGAGGGCCTGTTTGCGGACGGGCACCTGATCTTGTGGACGCT-3'
Protein context (NP_003638.1, residues 1-17): MEAERR[Pro7Leu]APGSPSEGLF